The following is an entry in ClinVar:

ClinVar aggregate classification (germline): Likely benign. Review status: criteria provided, multiple submitters, no conflicts (2 of 4 stars). 2 submissions from 2 submitters: Likely benign (2). Last evaluated 2024-12-01.

Conditions:
Immunodeficiency 14 (IMD14A). Also called: IMMUNODEFICIENCY 14A WITH LYMPHOPROLIFERATION, AUTOSOMAL DOMINANT; p110-DELTA-ACTIVATING MUTATION CAUSING SENESCENT T CELLS, LYMPHADENOPATHY, AND IMMUNODEFICIENCY; ACTIVATED PI3K-DELTA SYNDROME 1; Activated PI3K Delta Syndrome Type 1 (APDS1). Identifiers: Orphanet 397596, Orphanet 693661, MedGen C5907821, MONDO:0014222, OMIM 615513.

gnomAD v4.1: 7 of 1,613,526 alleles (0.00043%); highest among the groups gnomAD compares: South Asian, 0.0011%; no homozygotes.

Submissions (2):

CeGaT Center for Human Genetics Tuebingen
Classification: Likely benign. Last evaluated: 2024-12-01. Review status: criteria provided, single submitter. Criteria: CeGaT Center For Human Genetics Tuebingen Variant Classification Criteria Version 2. Collection method: clinical testing. Allele origin: germline. Affected: yes. Observed: 1 variant allele.
Comment: PIK3CD: BP4, BP7

Labcorp Genetics (formerly Invitae), Labcorp
Classification: Likely benign for Activated PI3K-delta syndrome. Last evaluated: 2024-04-19. Review status: criteria provided, single submitter. Criteria: Invitae Variant Classification Sherloc (09022015). Collection method: clinical testing. Allele origin: germline.

NM_005026.5(PIK3CD):c.2370C>T (p.Thr790=)

Gene: PIK3CD (phosphatidylinositol-4,5-bisphosphate 3-kinase catalytic subunit delta; plus strand). Cytogenetic location: 1p36.22.
Variant type: single nucleotide variant.
Coding change: c.2370C>T on transcript NM_005026.5 (MANE Select); coding-DNA position 2370, C replaced by T.
Protein change: p.Thr790=; no amino-acid change (threonine 790 retained).
Molecular consequence: synonymous variant.
Genome position (GRCh38, 1-based): chr1:9,722,550, C>T. VCF-style: chr1-9722550-C-T. GRCh37 (hg19) VCF-style: chr1-9782608-C-T.
Other names: c.2367C>T, p.Thr789= (NM_001350234.2); c.2283C>T, p.Thr761= (NM_001350235.1).
Identifiers: ClinVar variation 2897372 (VCV002897372.16), dbSNP rs779433261, ClinGen allele CA577529.